The following is an entry in ClinVar:

NM_199355.4(ADAMTS18):c.1318C>T (p.His440Tyr)

Gene: ADAMTS18 (ADAM metallopeptidase with thrombospondin type 1 motif 18; minus strand). Cytogenetic location: 16q23.1.
Variant type: single nucleotide variant.
Coding change: c.1318C>T on transcript NM_199355.4 (MANE Select); coding-DNA position 1318, C replaced by T.
Protein change: p.His440Tyr; replaces histidine 440 with tyrosine.
Molecular consequence: missense variant.
Genome position (GRCh38, 1-based): chr16:77,359,322, G>A on the plus strand (C>T on the coding strand, the complement: ADAMTS18 is on the minus strand). VCF-style: chr16-77359322-G-A. GRCh37 (hg19) VCF-style: chr16-77393219-G-A.
Other names: c.802C>T, p.His268Tyr (NM_001326358.2); short protein forms H440Y, H268Y.
Identifiers: ClinVar variation 2007644 (VCV002007644.4), dbSNP rs2543734208, ClinGen allele CA396835016.

ClinVar aggregate classification (germline): Uncertain significance (1 of 4 stars; one submission).

Allele frequency attached by ClinVar (database versions not stated): gnomAD exomes below 0.00001.
gnomAD v4.1: 1 of 1,613,668 alleles (0.000062%); highest among the groups gnomAD compares: Non-Finnish European, 0.000085%; no homozygotes.

Submission:

Labcorp Genetics (formerly Invitae), Labcorp
Classification: Uncertain significance. Last evaluated: 2022-06-17. Review status: criteria provided, single submitter. Criteria: Invitae Variant Classification Sherloc (09022015). Collection method: clinical testing. Allele origin: germline.
Comment: In summary, the available evidence is currently insufficient to determine the role of this variant in disease. Therefore, it has been classified as a Variant of Uncertain Significance. Algorithms developed to predict the effect of missense changes on protein structure and function are either unavailable or do not agree on the potential impact of this missense change (SIFT: "Not Available"; PolyPhen-2: "Probably Damaging"; Align-GVGD: "Not Available"). This variant has not been reported in the literature in individuals affected with ADAMTS18-related conditions. This variant is not present in population databases (gnomAD no frequency). This sequence change replaces histidine, which is basic and polar, with tyrosine, which is neutral and polar, at codon 440 of the ADAMTS18 protein (p.His440Tyr).